The following is an entry in ClinVar:

NM_021147.5(CCNO):c.961C>T (p.Gln321Ter)

Gene: CCNO (cyclin O; minus strand). Cytogenetic location: 5q11.2.
Variant type: single nucleotide variant.
Coding change: c.961C>T on transcript NM_021147.5 (MANE Select); coding-DNA position 961, C replaced by T.
Protein change: p.Gln321Ter; replaces glutamine 321 with a stop codon.
Molecular consequence: nonsense. On other transcripts: non-coding transcript variant (3).
Genome position (GRCh38, 1-based): chr5:55,231,467, G>A on the plus strand (C>T on the coding strand, the complement: CCNO is on the minus strand). VCF-style: chr5-55231467-G-A. GRCh37 (hg19) VCF-style: chr5-54527295-G-A.
Other names: short protein forms Q321*.
Identifiers: ClinVar variation 139602 (VCV000139602.5), dbSNP rs587777501, ClinGen allele CA163294.

ClinVar aggregate classification (germline): Likely pathogenic. Review status: criteria provided, single submitter (1 of 4 stars). 2 submissions from 2 submitters: Likely pathogenic (1). 1 of the submissions does not count toward it. Last evaluated 2026-01-27.

Conditions:
Primary ciliary dyskinesia 29. Also called: CILIARY DYSKINESIA, PRIMARY, 29, WITHOUT SITUS INVERSUS. Identifiers: Orphanet 244, MedGen C4014534, MONDO:0014378, OMIM 615872.
Primary ciliary dyskinesia. Also called: Ciliary dyskinesia. Identifiers: Orphanet 244, MedGen C0008780, MONDO:0016575, HP:0012265.

Allele frequency attached by ClinVar (database versions not stated): gnomAD exomes below 0.00001; TOPMed below 0.00001.
gnomAD v4.1: 7 of 1,614,144 alleles (0.00043%); highest among the groups gnomAD compares: Middle Eastern, 0.016%; no homozygotes.

Submissions (2):

Labcorp Genetics (formerly Invitae), Labcorp
Classification: Likely pathogenic for Primary ciliary dyskinesia. Last evaluated: 2026-01-27. Review status: criteria provided, single submitter. Criteria: Invitae Variant Classification Sherloc (09022015). Collection method: clinical testing. Allele origin: germline.
Comment: This sequence change creates a premature translational stop signal (p.Gln321*) in the CCNO gene. While this is not anticipated to result in nonsense mediated decay, it is expected to disrupt the last 30 amino acid(s) of the CCNO protein. This variant is not present in population databases (gnomAD no frequency). This premature translational stop signal has been observed in individual(s) with primary ciliary dyskinesia (PMID: 24747639, 26139845). ClinVar contains an entry for this variant (Variation ID: 139602). In summary, the currently available evidence indicates that the variant is pathogenic, but additional data are needed to prove that conclusively. Therefore, this variant has been classified as Likely Pathogenic.

OMIM
Classification: Pathogenic for CILIARY DYSKINESIA, PRIMARY, 29. Last evaluated: 2014-06-01. Review status: no assertion criteria provided. Collection method: literature only. Allele origin: germline. Not counted in ClinVar's aggregate classification.

Literature cited by the submitters: PubMed 24747639 (cited by Labcorp Genetics (formerly Invitae), Labcorp and OMIM); PubMed 26139845 (cited by Labcorp Genetics (formerly Invitae), Labcorp).